The following is an entry in ClinVar:

NM_021999.5(ITM2B):c.779T>C (p.Val260Ala)

Gene: ITM2B (integral membrane protein 2B; plus strand). Cytogenetic location: 13q14.2.
Variant type: single nucleotide variant.
Coding change: c.779T>C on transcript NM_021999.5 (MANE Select); coding-DNA position 779, T replaced by C.
Protein change: p.Val260Ala; replaces valine 260 with alanine.
Molecular consequence: missense variant.
Genome position (GRCh38, 1-based): chr13:48,261,202, T>C. VCF-style: chr13-48261202-T-C. GRCh37 (hg19) VCF-style: chr13-48835338-T-C.
Other names: short protein forms V260A.
Identifiers: ClinVar variation 1510147 (VCV001510147.6), dbSNP rs2137997861, ClinGen allele CA388252255.

ClinVar aggregate classification (germline): Uncertain significance (1 of 4 stars; one submission).

Submission:

Labcorp Genetics (formerly Invitae), Labcorp
Classification: Uncertain significance. Last evaluated: 2021-08-04. Review status: criteria provided, single submitter. Criteria: Invitae Variant Classification Sherloc (09022015). Collection method: clinical testing. Allele origin: germline.
Comment: This sequence change replaces valine with alanine at codon 260 of the ITM2B protein (p.Val260Ala). The valine residue is moderately conserved and there is a small physicochemical difference between valine and alanine. In summary, the available evidence is currently insufficient to determine the role of this variant in disease. Therefore, it has been classified as a Variant of Uncertain Significance. Algorithms developed to predict the effect of missense changes on protein structure and function (SIFT, PolyPhen-2, Align-GVGD) all suggest that this variant is likely to be tolerated. This variant has not been reported in the literature in individuals affected with ITM2B-related conditions. This variant is not present in population databases (ExAC no frequency).